The following is an entry in ClinVar:

NM_015338.6(ASXL1):c.2216T>A (p.Leu739His)

Gene: ASXL1 (ASXL transcriptional regulator 1; plus strand). Cytogenetic location: 20q11.21.
Variant type: single nucleotide variant.
Coding change: c.2216T>A on transcript NM_015338.6 (MANE Select); coding-DNA position 2216, T replaced by A.
Protein change: p.Leu739His; replaces leucine 739 with histidine.
Molecular consequence: missense variant.
Genome position (GRCh38, 1-based): chr20:32,434,928, T>A. VCF-style: chr20-32434928-T-A. GRCh37 (hg19) VCF-style: chr20-31022731-T-A.
Other names: c.2033T>A, p.Leu678His (NM_001363734.1); short protein forms L678H, L739H.
Identifiers: ClinVar variation 5029826 (VCV005029826.1).

ClinVar aggregate classification (germline): Uncertain significance (1 of 4 stars; one submission).

Conditions:
Inborn genetic diseases. Identifiers: MedGen C0950123, MeSH D030342.

Submission:

Ambry Genetics
Classification: Uncertain significance for Inborn genetic diseases. Last evaluated: 2026-07-05. Review status: criteria provided, single submitter. Criteria: Ambry Variant Classification Scheme 2023. Collection method: clinical testing. Allele origin: germline.
Comment: The p.L739H variant (also known as c.2216T>A), located in coding exon 13 of the ASXL1 gene, results from a T to A substitution at nucleotide position 2216. The leucine at codon 739 is replaced by histidine, an amino acid with similar properties. This amino acid position is conserved. In addition, this alteration is predicted to be tolerated by in silico analysis. Based on the available evidence, the clinical significance of this variant remains unclear.